The following is an entry in ClinVar:

ClinVar aggregate classification (germline): Benign (1 of 4 stars; one submission).

Allele frequency attached by ClinVar (database versions not stated): 1000 Genomes Project 30x 0.94394; gnomAD exomes 0.95391; gnomAD 0.96386 and 0.96589; TOPMed 0.96549.
gnomAD v4.1: 599,622 of 626,962 alleles (96%); highest among the groups gnomAD compares: Admixed American, 98%; 287,041 homozygotes.

Submission:

GeneDx
Classification: Benign. Last evaluated: 2018-06-14. Review status: criteria provided, single submitter. Criteria: GeneDx Variant Classification (06012015). Collection method: clinical testing. Allele origin: germline. Affected: yes.
Comment: This variant is considered likely benign or benign based on one or more of the following criteria: it is a conservative change, it occurs at a poorly conserved position in the protein, it is predicted to be benign by multiple in silico algorithms, and/or has population frequency not consistent with disease.

NM_002495.4(NDUFS4):c.178-158A>G

Gene: NDUFS4 (NADH:ubiquinone oxidoreductase subunit S4; plus strand). Cytogenetic location: 5q11.2.
Variant type: single nucleotide variant.
Coding change: c.178-158A>G on transcript NM_002495.4 (MANE Select); 158 bases into the intron before coding-DNA position 178, A replaced by G.
Molecular consequence: intron variant.
Genome position (GRCh38, 1-based): chr5:53,646,075, A>G. VCF-style: chr5-53646075-A-G. GRCh37 (hg19) VCF-style: chr5-52941905-A-G.
Other names: c.178-158A>G (NM_001318051.2).
Identifiers: ClinVar variation 683102 (VCV000683102.1), dbSNP rs31305, ClinGen allele CA119135619.